The following is an entry in ClinVar:

ClinVar aggregate classification (germline): Uncertain significance (1 of 4 stars; one submission).

Submission:

CeGaT Center for Human Genetics Tuebingen
Classification: Uncertain significance. Last evaluated: 2022-06-01. Review status: criteria provided, single submitter. Criteria: CeGaT Center For Human Genetics Tuebingen Variant Classification Criteria Version 2. Collection method: clinical testing. Allele origin: germline. Affected: yes. Observed: 1 variant allele.
Comment: TANC2: PM2, BP4

NM_001394998.1(TANC2):c.6067A>G (p.Ser2023Gly)

Gene: TANC2 (tetratricopeptide repeat, ankyrin repeat and coiled-coil containing 2; plus strand). Cytogenetic location: 17q23.3.
Variant type: single nucleotide variant.
Coding change: c.6067A>G on transcript NM_001394998.1 (MANE Select); coding-DNA position 6067, A replaced by G.
Protein change: p.Ser2023Gly; replaces serine 2023 with glycine.
Molecular consequence: missense variant.
Genome position (GRCh38, 1-based): chr17:63,421,797, A>G. VCF-style: chr17-63421797-A-G. GRCh37 (hg19) VCF-style: chr17-61499158-A-G.
Other names: c.5815A>G, p.Ser1939Gly (NM_025185.4); short protein forms S1939G, S2023G.
Identifiers: ClinVar variation 1694858 (VCV001694858.31), dbSNP rs2147433689, ClinGen allele CA400548412.